The following is an entry in ClinVar:

NM_000103.4(CYP19A1):c.256C>T (p.Arg86Ter)

Genes: CYP19A1 (cytochrome P450 family 19 subfamily A member 1; minus strand), PIRC66 (piwi-interacting RNA cluster 66; plus strand), MIR4713HG (MIR4713 host gene; plus strand). Cytogenetic location: 15q21.2.
Variant type: single nucleotide variant.
Coding change: c.256C>T on transcript NM_000103.4 (MANE Select); coding-DNA position 256, C replaced by T.
Protein change: p.Arg86Ter; replaces arginine 86 with a stop codon.
Molecular consequence: nonsense.
Genome position (GRCh38, 1-based): chr15:51,236,899, G>A on the plus strand (C>T on the coding strand, the complement: CYP19A1 is on the minus strand). VCF-style: chr15-51236899-G-A. GRCh37 (hg19) VCF-style: chr15-51529096-G-A.
Other names: c.256C>T, p.Arg86Ter (NM_001347248.1, NM_001347249.2, NM_001347250.2 and 7 more transcripts); c.256C>T (NM_031226.2); short protein forms R86*.
Identifiers: ClinVar variation 1076833 (VCV001076833.8), dbSNP rs374081925, ClinGen allele CA270541984.

ClinVar aggregate classification (germline): Pathogenic/Likely pathogenic. Review status: criteria provided, multiple submitters, no conflicts (2 of 4 stars). 2 submissions from 2 submitters: Pathogenic (1); Likely pathogenic (1). Last evaluated 2025-09-07.

Conditions:
Aromatase deficiency. Also called: Increased aromatase activity; PSEUDOHERMAPHRODITISM, FEMALE, DUE TO PLACENTAL AROMATASE DEFICIENCY. Identifiers: Orphanet 91, MedGen C1960539, MONDO:0013301, OMIM 613546.

Allele frequency attached by ClinVar (database versions not stated): gnomAD 0.00003; TOPMed 0.00003; ESP Exome Variant Server 0.00008.

Submissions (2):

Natera, Inc.
Classification: Likely pathogenic for Aromatase deficiency. Last evaluated: 2025-09-07. Review status: criteria provided, single submitter. Criteria: Natera Variant Classification Schema (03/2026). Collection method: clinical testing. Allele origin: germline.
Comment: The c.256C>T variant in CYP19A1 is a nonsense variant predicted to introduce a stop codon at amino acid 86. This variant is expected to result in nonsense mediated decay, truncation, or a dysfunctional protein product. This variant is rare in the general population with a frequency below the threshold expected for the associated phenotype(s). Given the available evidence, this variant is classified as Likely Pathogenic.

Labcorp Genetics (formerly Invitae), Labcorp
Classification: Pathogenic. Last evaluated: 2023-12-05. Review status: criteria provided, single submitter. Criteria: Invitae Variant Classification Sherloc (09022015). Collection method: clinical testing. Allele origin: germline.
Comment: This sequence change creates a premature translational stop signal (p.Arg86*) in the CYP19A1 gene. It is expected to result in an absent or disrupted protein product. Loss-of-function variants in CYP19A1 are known to be pathogenic (PMID: 14602738, 27086564, 27256151). This variant is present in population databases (rs374081925, gnomAD 0.007%). This variant has not been reported in the literature in individuals affected with CYP19A1-related conditions. ClinVar contains an entry for this variant (Variation ID: 1076833). Algorithms developed to predict the effect of sequence changes on RNA splicing suggest that this variant may disrupt the consensus splice site. For these reasons, this variant has been classified as Pathogenic.

Literature cited by the submitters: PubMed 14602738 (cited by Labcorp Genetics (formerly Invitae), Labcorp); PubMed 27086564 (cited by Labcorp Genetics (formerly Invitae), Labcorp); PubMed 27256151 (cited by Labcorp Genetics (formerly Invitae), Labcorp).